The following is an entry in ClinVar:

ClinVar aggregate classification (germline): Likely benign (0 of 4 stars; one submission).

Conditions:
GNAS-related disorder. Identifiers: MedGen CN380105.

Allele frequency attached by ClinVar (database versions not stated): TOPMed 0.00001; ExAC 0.00001.
gnomAD v4.1: 6 of 1,610,964 alleles (0.00037%); highest among the groups gnomAD compares: Admixed American, 0.0067%; no homozygotes.

Submission:

PreventionGenetics, part of Exact Sciences
Classification: Likely benign for GNAS-related condition. Last evaluated: 2019-11-09. Review status: no assertion criteria provided. Collection method: clinical testing. Allele origin: germline.
Comment: This variant is classified as likely benign based on ACMG/AMP sequence variant interpretation guidelines (Richards et al. 2015 PMID: 25741868, with internal and published modifications).

NM_080425.4(GNAS):c.783G>A (p.Ser261=)

Gene: GNAS (GNAS complex locus; plus strand). Cytogenetic location: 20q13.32.
Variant type: single nucleotide variant.
Coding change: c.783G>A on transcript NM_080425.4 (MANE Plus Clinical); coding-DNA position 783, G replaced by A.
Protein change: p.Ser261=; no amino-acid change (serine 261 retained).
Molecular consequence: synonymous variant. On other transcripts: missense variant (2), intron variant (3).
Genome position (GRCh38, 1-based): chr20:58,854,048, G>A. VCF-style: chr20-58854048-G-A. GRCh37 (hg19) VCF-style: chr20-57429103-G-A.
Other names: c.596G>A, p.Arg199Gln (NM_001077490.3, NM_001309883.1); c.783G>A, p.Ser261= (NM_001410913.1); c.*42+13162G>A (NM_016592.5); c.43+13162G>A (NM_001410912.1); c.-39+12173G>A (NM_001309861.2); short protein forms R199Q.
Identifiers: ClinVar variation 3034705 (VCV003034705.2), dbSNP rs545066346, ClinGen allele CA9926550.